The following is an entry in ClinVar:

ClinVar aggregate classification (germline): Uncertain significance (1 of 4 stars; one submission).

Submission:

GeneDx
Classification: Uncertain significance. Last evaluated: 2019-11-07. Review status: criteria provided, single submitter. Criteria: GeneDx Variant Classification Process June 2021. Collection method: clinical testing. Allele origin: germline. Affected: yes.
Comment: Not observed in large population cohorts (Lek et al., 2016); In silico analysis, which includes protein predictors and evolutionary conservation, supports a deleterious effect; Has not been previously published as pathogenic or benign to our knowledge

NM_016120.4(RLIM):c.433C>T (p.Arg145Cys)

Gene: RLIM (ring finger protein, LIM domain interacting; minus strand). Cytogenetic location: Xq13.2.
Variant type: single nucleotide variant.
Coding change: c.433C>T on transcript NM_016120.4 (MANE Select); coding-DNA position 433, C replaced by T.
Protein change: p.Arg145Cys; replaces arginine 145 with cysteine.
Molecular consequence: missense variant.
Genome position (GRCh38, 1-based): chrX:74,592,882, G>A on the plus strand (C>T on the coding strand, the complement: RLIM is on the minus strand). VCF-style: chrX-74592882-G-A. GRCh37 (hg19) VCF-style: chrX-73812717-G-A.
Other names: c.433C>T, p.Arg145Cys (NM_183353.3); short protein forms R145C.
Identifiers: ClinVar variation 1308922 (VCV001308922.2), dbSNP rs2079623092, ClinGen allele CA413662378.
Genomic context (GRCh38, chrX:74,592,882, plus strand): 5'-CACTAGAACGTCTTGCAGATGGCTCATTTTCATTCTCTGAATTTTGGCTCCCATTATTAC[G>A]GTTAACATTTATCTCTAAACTGAATCTGAAATCACCACTGTTTGGATTAGTCCGACTCAC-3'
Protein context (NP_057204.2, residues 135-155): FRFSLEINVN[Arg145Cys]NNGSQNSENE